The following is an entry in ClinVar:

NM_000051.4(ATM):c.3389G>C (p.Gly1130Ala)

Gene: ATM (ATM serine/threonine kinase; plus strand). Cytogenetic location: 11q22.3.
Variant type: single nucleotide variant.
Coding change: c.3389G>C on transcript NM_000051.4 (MANE Select); coding-DNA position 3389, G replaced by C.
Protein change: p.Gly1130Ala; replaces glycine 1130 with alanine.
Molecular consequence: missense variant.
Genome position (GRCh38, 1-based): chr11:108,279,595, G>C. VCF-style: chr11-108279595-G-C. GRCh37 (hg19) VCF-style: chr11-108150322-G-C.
Other names: c.3389G>C, p.Gly1130Ala (NM_001351834.2); short protein forms G1130A.
Identifiers: ClinVar variation 407474 (VCV000407474.9), dbSNP rs1060501544, ClinGen allele CA16613035.
Genomic context (GRCh38, chr11:108,279,595, plus strand): 5'-CACTTCCTTTGAAGCTTCAGCAAACAGCTTTTGAAAATGCATACTTGAAAGCTCAGGAAG[G>C]AATGAGAGAAATGGTAATTTTAAGTAACATGTATTTGCTGTTATCATATGCTTGCTATGA-3'
Protein context (NP_000042.3, residues 1120-1140): FENAYLKAQE[Gly1130Ala]MREMSHSAEN

ClinVar aggregate classification (germline): Uncertain significance (1 of 4 stars; one submission).

Conditions:
Ataxia-telangiectasia syndrome (AT). Also called: Ataxia telangiectasia (A-T); LOUIS-BAR SYNDROME; Cerebello-oculocutaneous telangiectasia; Immunodeficiency with ataxia telangiectasia; Ataxia-telangiectasia, complementation group D; AT, COMPLEMENTATION GROUP C. Identifiers: Orphanet 100, MedGen C0004135, MONDO:0008840, OMIM 208900.

Submission:

Labcorp Genetics (formerly Invitae), Labcorp
Classification: Uncertain significance for Ataxia-telangiectasia syndrome. Last evaluated: 2016-08-22. Review status: criteria provided, single submitter. Criteria: Invitae Variant Classification Sherloc (09022015). Collection method: clinical testing. Allele origin: germline.
Comment: In summary, this variant is a novel missense change that is not predicted to affect protein function. There is no indication that it causes disease, but the available evidence is currently insufficient to prove that conclusively. Therefore, it has been classified as a Variant of Uncertain Significance. Algorithms developed to predict the effect of missense changes on protein structure and function output the following: (SIFT: "Tolerated"; PolyPhen-2: "Benign"; Align-GVGD: "Class C0"). The alanine amino acid residue is also found in multiple mammalian species, suggesting that this missense change does not adversely affect protein function. These predictions have not been confirmed by published functional studies. This variant is not present in population databases (ExAC no frequency) and has not been reported in the literature in individuals with a ATM-related disease. This sequence change replaces glycine with alanine at codon 1130 of the ATM protein (p.Gly1130Ala). The glycine residue is moderately conserved and there is a small physicochemical difference between glycine and alanine.